The following is an entry in ClinVar:

NM_000212.3(ITGB3):c.517A>G (p.Ser173Gly)

Gene: ITGB3 (integrin subunit beta 3; plus strand). Cytogenetic location: 17q21.32.
Variant type: single nucleotide variant.
Coding change: c.517A>G on transcript NM_000212.3 (MANE Select); coding-DNA position 517, A replaced by G.
Protein change: p.Ser173Gly; replaces serine 173 with glycine.
Molecular consequence: missense variant.
Genome position (GRCh38, 1-based): chr17:47,284,598, A>G. VCF-style: chr17-47284598-A-G. GRCh37 (hg19) VCF-style: chr17-45361964-A-G.
Other names: short protein forms S173G.
Identifiers: ClinVar variation 1049401 (VCV001049401.1), dbSNP rs2143092830, ClinGen allele CA400023006.

ClinVar aggregate classification (germline): Uncertain significance (0 of 4 stars; one submission).

Allele frequency attached by ClinVar (database versions not stated): gnomAD exomes 0.00001.
gnomAD v4.1: 3 of 1,614,152 alleles (0.00019%); highest among the groups gnomAD compares: Non-Finnish European, 0.00025%; no homozygotes.

Submission:

Department of Pathology and Laboratory Medicine, Sinai Health System
Classification: Uncertain significance. Review status: no assertion criteria provided. Collection method: clinical testing. Allele origin: unknown. Affected: yes. Study: The Canadian Open Genetics Repository (COGR).
Comment: The ITGB3 p.S173G variant was not identified in the literature nor was it identified in dbSNP, ClinVar, LOVD 3.0 or in the following control databases: the 1000 Genomes Project, the NHLBI GO Exome Sequencing Project, the Exome Aggregation Consortium (August 8th 2016), or the Genome Aggregation Database (March 6, 2019, v2.1.1). The p.Ser173 residue is conserved across mammals and other organisms, and four out of five computational analyses (PolyPhen-2, SIFT, AlignGVGD, BLOSUM, MutationTaster) suggest that the variant may impact the protein; however, this information is not predictive enough to assume pathogenicity. The variant occurs outside of the splicing consensus sequence however four of four in silico or computational prediction software programs (SpliceSiteFinder, MaxEntScan, NNSPLICE, GeneSplicer) predict a greater than 10% difference in splicing and the creation of a new 5â€šÃ„Ã´ splice site. However, this has not been confirmed by RNA analysis and is not predictive enough to assume pathogenicity. In summary, based on the above information the clinical significance of this variant cannot be determined with certainty at this time. This variant is classified as a variant of uncertain significance.